The following is an entry in ClinVar:

NM_052989.3(IFT122):c.1576C>T (p.Arg526Cys)

Gene: IFT122 (intraflagellar transport 122; plus strand). Cytogenetic location: 3q21.3.
Variant type: single nucleotide variant.
Coding change: c.1576C>T on transcript NM_052989.3 (MANE Select); coding-DNA position 1576, C replaced by T.
Protein change: p.Arg526Cys; replaces arginine 526 with cysteine.
Molecular consequence: missense variant.
Genome position (GRCh38, 1-based): chr3:129,481,617, C>T. VCF-style: chr3-129481617-C-T. GRCh37 (hg19) VCF-style: chr3-129200460-C-T.
Other names: c.1552C>T, p.Arg518Cys (NM_001280541.2); c.1126C>T, p.Arg376Cys (NM_001280545.2); c.949C>T, p.Arg317Cys (NM_001280546.2); c.1399C>T, p.Arg467Cys (NM_018262.4); c.1729C>T, p.Arg577Cys (NM_052985.4); c.1729C>T (NM_052985.2); c.1243C>T, p.Arg415Cys (NM_052990.3); short protein forms R518C, R577C, R376C, R467C, R526C, R317C, R415C.
Identifiers: ClinVar variation 901925 (VCV000901925.9), dbSNP rs149578956, ClinGen allele CA2606223.
Genomic context (GRCh38, chr3:129,481,617, plus strand): 5'-TTTGCTATCGTCCTGCTGAAGCAGGCCACAGCTGTGCGCTGCTTGGACATGAGTGCCTCC[C>T]GTAAGAAGCTGGCCGTGGTAGATGAAAATGACACTTGCCTGGTGTATGACATCGACACCA-3'
Protein context (NP_443715.1, residues 516-536): AVRCLDMSAS[Arg526Cys]KKLAVVDEND

ClinVar aggregate classification (germline): Uncertain significance. Review status: criteria provided, multiple submitters, no conflicts (2 of 4 stars). 5 submissions from 5 submitters: Uncertain significance (5). Last evaluated 2023-12-20.

Conditions:
Inborn genetic diseases. Identifiers: MedGen C0950123, MeSH D030342.
Cranioectodermal dysplasia 1 (CED1). Also called: LEVIN SYNDROME I. Identifiers: Orphanet 1515, MedGen C0432235, MONDO:0021093, OMIM 218330.

Allele frequency attached by ClinVar (database versions not stated): ESP Exome Variant Server 0.00015; 1000 Genomes Project 0.00020; 1000 Genomes Project 30x 0.00031; TOPMed 0.00033; gnomAD exomes 0.00037 and 0.00044; gnomAD 0.00038 and 0.00039; ExAC 0.00042.
gnomAD v4.1: 673 of 1,602,476 alleles (0.042%); highest among the groups gnomAD compares: Non-Finnish European, 0.053%; no homozygotes.

Submissions (5):

GeneDx
Classification: Uncertain significance. Last evaluated: 2023-12-20. Review status: criteria provided, single submitter. Criteria: GeneDx Variant Classification Process June 2021. Collection method: clinical testing. Allele origin: germline. Affected: yes.
Comment: In silico analysis supports that this missense variant has a deleterious effect on protein structure/function; Has not been previously published as pathogenic or benign to our knowledge

Labcorp Genetics (formerly Invitae), Labcorp
Classification: Uncertain significance for Cranioectodermal dysplasia 1. Last evaluated: 2022-10-05. Review status: criteria provided, single submitter. Criteria: Invitae Variant Classification Sherloc (09022015). Collection method: clinical testing. Allele origin: germline.
Comment: This sequence change replaces arginine, which is basic and polar, with cysteine, which is neutral and slightly polar, at codon 577 of the IFT122 protein (p.Arg577Cys). This variant is present in population databases (rs149578956, gnomAD 0.06%). This variant has not been reported in the literature in individuals affected with IFT122-related conditions. ClinVar contains an entry for this variant (Variation ID: 901925). Advanced modeling of protein sequence and biophysical properties (such as structural, functional, and spatial information, amino acid conservation, physicochemical variation, residue mobility, and thermodynamic stability) performed at Invitae indicates that this missense variant is expected to disrupt IFT122 protein function. In summary, the available evidence is currently insufficient to determine the role of this variant in disease. Therefore, it has been classified as a Variant of Uncertain Significance.

Fulgent Genetics
Classification: Uncertain significance for Cranioectodermal dysplasia 1. Last evaluated: 2022-05-27. Review status: criteria provided, single submitter. Criteria: ACMG Guidelines, 2015. Collection method: clinical testing. Allele origin: unknown.

Ambry Genetics
Classification: Uncertain significance for Inborn genetic diseases. Last evaluated: 2021-09-16. Review status: criteria provided, single submitter. Criteria: Ambry Variant Classification Scheme 2023. Collection method: clinical testing. Allele origin: germline.

Illumina Laboratory Services, Illumina
Classification: Uncertain significance for Cranioectodermal dysplasia 1. Last evaluated: 2018-01-13. Review status: criteria provided, single submitter. Criteria: ICSL Variant Classification Criteria 13 December 2019. Collection method: clinical testing. Allele origin: germline.